The following is an entry in ClinVar:

ClinVar aggregate classification (germline): Benign/Likely benign. Review status: criteria provided, multiple submitters, no conflicts (2 of 4 stars). 5 submissions from 5 submitters: Benign (4); Likely benign (1). Last evaluated 2026-07-01.

Conditions:
NIK deficiency. Also called: Primary immunodeficiency with multifaceted aberrant lymphoid immunity. Identifiers: Orphanet 447731, MedGen C5680065, MONDO:0018642.

Allele frequency attached by ClinVar (database versions not stated): 1000 Genomes Project 30x 0.00437; 1000 Genomes Project 0.00439; TOPMed 0.00717; gnomAD 0.00749 and 0.00757; ExAC 0.00800; gnomAD exomes 0.00829 and 0.01026; ESP Exome Variant Server 0.00905.

Submissions (5):

CeGaT Center for Human Genetics Tuebingen
Classification: Benign. Last evaluated: 2026-07-01. Review status: criteria provided, single submitter. Criteria: CeGaT Center For Human Genetics Tuebingen Variant Classification Criteria Version 2. Collection method: clinical testing. Allele origin: germline. Affected: yes. Observed: 9 variant alleles.
Comment: MAP3K14: PP2, BP4, BS1, BS2

Women's Health and Genetics/Laboratory Corporation of America, LabCorp
Classification: Likely benign. Last evaluated: 2026-04-24. Review status: criteria provided, single submitter. Criteria: LabCorp Variant Classification Summary - May 2015. Collection method: clinical testing. Allele origin: germline.
Comment: Variant summary: MAP3K14 c.419G>A (p.Ser140Asn) results in a conservative amino acid change in the encoded protein sequence. Algorithms developed to predict the effect of missense changes on protein structure and function are either unavailable or do not agree on the potential impact of this missense change. The variant allele was found at a frequency of 0.0083 in 249242 control chromosomes, predominantly at a frequency of 0.01 within the Non-Finnish European subpopulation in the gnomAD database, including 9 homozygotes. The observed variant frequency within Non-Finnish European control individuals in the gnomAD database exceeds the estimated maximal expected allele frequency for disease-causing variants in MAP3K14. To our knowledge, no occurrence of c.419G>A in individuals affected with MAP3K14-related conditions and no experimental evidence demonstrating its impact on protein function have been reported. ClinVar contains an entry for this variant (Variation ID: 544329). Based on the evidence outlined above, the variant was classified as likely benign.

Labcorp Genetics (formerly Invitae), Labcorp
Classification: Benign for NIK deficiency. Last evaluated: 2026-02-01. Review status: criteria provided, single submitter. Criteria: Invitae Variant Classification Sherloc (09022015). Collection method: clinical testing. Allele origin: germline.

ARUP Laboratories, Molecular Genetics and Genomics, ARUP Laboratories
Classification: Benign. Last evaluated: 2023-10-16. Review status: criteria provided, single submitter. Criteria: ARUP Molecular Germline Variant Investigation Process 2024. Collection method: clinical testing. Allele origin: germline.

Breakthrough Genomics
Classification: Benign. Review status: criteria provided, single submitter. Criteria: ACMG Guidelines, 2015. Collection method: not provided. Allele origin: germline. Inheritance: Unknown mechanism. Affected: yes.

NM_003954.5(MAP3K14):c.419G>A (p.Ser140Asn)

Gene: MAP3K14 (mitogen-activated protein kinase kinase kinase 14; minus strand). Cytogenetic location: 17q21.31.
Variant type: single nucleotide variant.
Coding change: c.419G>A on transcript NM_003954.5 (MANE Select); coding-DNA position 419, G replaced by A.
Protein change: p.Ser140Asn; replaces serine 140 with asparagine.
Molecular consequence: missense variant.
Genome position (GRCh38, 1-based): chr17:45,287,272, C>T on the plus strand (G>A on the coding strand, the complement: MAP3K14 is on the minus strand). VCF-style: chr17-45287272-C-T. GRCh37 (hg19) VCF-style: chr17-43364638-C-T.
Other names: c.419G>A, p.Ser140Asn (LRG_1222t1); short protein forms S140N.
Identifiers: ClinVar variation 544329 (VCV000544329.46), dbSNP rs11574819, ClinGen allele CA8614359.
Genomic context (GRCh38, chr17:45,287,272, plus strand): 5'-GCCACTCCTGCATGAGCCAGGGACTTTGAGCTCTTCTTCTTCCGTTTCTTCCGGGCTTTG[C>T]TGCGACGCTTTCCCTTCCAACACACACGGGCCATTTTGCCCTCTGTAGCATGGGCCACAT-3'
Protein context (NP_003945.2, residues 130-150): ARVCWKGKRR[Ser140Asn]KARKKRKKKS